The following is an entry in ClinVar:

NM_203447.4(DOCK8):c.4844A>G (p.Glu1615Gly)

Gene: DOCK8 (dedicator of cytokinesis 8; plus strand). Cytogenetic location: 9p24.3.
Variant type: single nucleotide variant.
Coding change: c.4844A>G on transcript NM_203447.4 (MANE Select); coding-DNA position 4844, A replaced by G.
Protein change: p.Glu1615Gly; replaces glutamic acid 1615 with glycine.
Molecular consequence: missense variant.
Genome position (GRCh38, 1-based): chr9:433,933, A>G. VCF-style: chr9-433933-A-G. GRCh37 (hg19) VCF-style: chr9-433933-A-G.
Other names: c.4544A>G, p.Glu1515Gly (NM_001190458.2); c.4640A>G, p.Glu1547Gly (NM_001193536.2); short protein forms E1615G, E1547G, E1515G.
Identifiers: ClinVar variation 1034990 (VCV001034990.9), dbSNP rs2056806154, ClinGen allele CA372767057.
Genomic context (GRCh38, chr9:433,933, plus strand): 5'-AGGTGGAGGAACTTCTCTGTAATCTGAATAGCATCTTATATGACACAGTGAAAATGAGGG[A>G]ATTTCAGGAAGATCCTGAGATGCTTATGGATCTCATGTACAGGTAAGCTTTCCTGACACA-3'
Protein context (NP_982272.2, residues 1605-1625): SILYDTVKMR[Glu1615Gly]FQEDPEMLMD

ClinVar aggregate classification (germline): Uncertain significance (1 of 4 stars; one submission).

Conditions:
Combined immunodeficiency due to DOCK8 deficiency (HIES2). Also called: HYPER-IgE SYNDROME 2, AUTOSOMAL RECESSIVE, WITH RECURRENT INFECTIONS; DOCK8 Deficiency; HIES autosomal recessive; Hyper-IgE recurrent infection syndrome, autosomal recessive; HYPER-IgE RECURRENT INFECTION SYNDROME 2, AUTOSOMAL RECESSIVE. Identifiers: Orphanet 217390, MedGen C4722305, MONDO:0009478, OMIM 243700.

Allele frequency attached by ClinVar (database versions not stated): gnomAD exomes below 0.00001.
gnomAD v4.1: 1 of 1,614,150 alleles (0.000062%); highest among the groups gnomAD compares: Non-Finnish European, 0.000085%; no homozygotes.

Submission:

Labcorp Genetics (formerly Invitae), Labcorp
Classification: Uncertain significance for Combined immunodeficiency due to DOCK8 deficiency. Last evaluated: 2020-03-10. Review status: criteria provided, single submitter. Criteria: Invitae Variant Classification Sherloc (09022015). Collection method: clinical testing. Allele origin: germline.
Comment: This variant has not been reported in the literature in individuals with DOCK8-related conditions. This sequence change replaces glutamic acid with glycine at codon 1615 of the DOCK8 protein (p.Glu1615Gly). The glutamic acid residue is highly conserved and there is a moderate physicochemical difference between glutamic acid and glycine. This variant is not present in population databases (ExAC no frequency). Algorithms developed to predict the effect of missense changes on protein structure and function are either unavailable or do not agree on the potential impact of this missense change (SIFT: "Deleterious"; PolyPhen-2: "Benign"; Align-GVGD: "Class C0"). In summary, the available evidence is currently insufficient to determine the role of this variant in disease. Therefore, it has been classified as a Variant of Uncertain Significance.